The following is an entry in ClinVar:

ClinVar aggregate classification (germline): Likely pathogenic (1 of 4 stars; one submission).

Conditions:
Autosomal recessive nonsyndromic hearing loss 35. Identifiers: Orphanet 90636, MedGen C1837857, MONDO:0012060, OMIM 608565.

gnomAD v4.1: 1 of 1,614,238 alleles (0.000062%); highest among the groups gnomAD compares: Non-Finnish European, 0.000085%; no homozygotes.

Submission:

Kasturba Medical College, Manipal, Kasturba Medical College, Manipal, Manipal Academy of Higher Education, Manipal, India
Classification: Likely pathogenic for Autosomal recessive nonsyndromic hearing loss 35. Last evaluated: 2026-06-08. Review status: criteria provided, single submitter. Criteria: ACMG Guidelines, 2015. Collection method: research. Allele origin: biparental. Inheritance: Autosomal recessive inheritance. Affected: yes. Observed: 1 variant allele, 1 homozygote.
Comment: This variant is present in an individual in heterozygous state and absent in homozygous state in the gnomAD (v4.1.0) population database. This variant is absent in our in-house data of 4264 exomes.

NM_001379180.1(ESRRB):c.337G>T (p.Glu113Ter)

Gene: ESRRB (estrogen related receptor beta; plus strand). Cytogenetic location: 14q24.3.
Variant type: single nucleotide variant.
Coding change: c.337G>T on transcript NM_001379180.1 (MANE Select); coding-DNA position 337, G replaced by T.
Protein change: p.Glu113Ter; replaces glutamic acid 113 with a stop codon.
Molecular consequence: nonsense.
Genome position (GRCh38, 1-based): chr14:76,439,627, G>T. VCF-style: chr14-76439627-G-T. GRCh37 (hg19) VCF-style: chr14-76905970-G-T.
Other names: c.289G>T, p.Glu97Ter (NM_001411038.1); c.274G>T, p.Glu92Ter (NM_004452.4); short protein forms E113*, E92*, E97*.
Identifiers: ClinVar variation 4857483 (VCV004857483.1).